The following is an entry in ClinVar:

ClinVar aggregate classification (germline): Pathogenic. Review status: criteria provided, multiple submitters, no conflicts (2 of 4 stars). 2 submissions from 2 submitters: Pathogenic (2). Last evaluated 2025-10-29.

Conditions:
Cardiovascular phenotype. Identifiers: MedGen CN230736.

Submissions (2):

Mayo Clinic Laboratories, Mayo Clinic
Classification: Pathogenic. Last evaluated: 2025-10-29. Review status: criteria provided, single submitter. Criteria: ACMG Guidelines, 2015. Collection method: clinical testing. Allele origin: germline. Observed: 1 variant allele.
Comment: PM2_supporting, PS4_supporting, PVS1

Ambry Genetics
Classification: Pathogenic for Cardiovascular phenotype. Last evaluated: 2024-08-14. Review status: criteria provided, single submitter. Criteria: Ambry Variant Classification Scheme 2023. Collection method: clinical testing. Allele origin: germline.
Comment: The c.1755_1756delGC pathogenic mutation, located in coding exon 18 of the MYBPC3 gene, results from a deletion of two nucleotides at nucleotide positions 1755 to 1756, causing a translational frameshift with a predicted alternate stop codon (p.P586Rfs*18). This variant is considered to be rare based on population cohorts in the Genome Aggregation Database (gnomAD). This alteration is expected to result in loss of function by premature protein truncation or nonsense-mediated mRNA decay. As such, this alteration is interpreted as a disease-causing mutation.

Literature cited by the submitters: PubMed 39260623 (cited by Mayo Clinic Laboratories, Mayo Clinic).

NM_000256.3(MYBPC3):c.1755_1756del (p.Pro586fs)

Gene: MYBPC3 (myosin binding protein C3; minus strand). Cytogenetic location: 11p11.2.
Variant type: Deletion.
Coding change: c.1755_1756del on transcript NM_000256.3 (MANE Select); coding-DNA positions 1755 to 1756, 2 bases deleted (GC; older notation c.1755_1756delGC).
Protein change: p.Pro586fs; shifts the reading frame from proline 586.
Molecular consequence: frameshift variant.
Genome position (GRCh38, 1-based): chr11:47,342,025-47,342,026, GC deleted on the plus strand (GC on the coding strand, the reverse complement: MYBPC3 is on the minus strand). VCF-style (leftmost placement, unchanged base first): chr11-47342024-GGC-G. GRCh37 (hg19) VCF-style: chr11-47363575-GGC-G.
Other names: p.Pro586Argfs*18; c.1755_1756delGC (NM_000256.3); short protein forms P586fs.
Identifiers: ClinVar variation 3400413 (VCV003400413.2).